The following is an entry in ClinVar:

NM_001376.5(DYNC1H1):c.728del (p.Asn243fs)

Gene: DYNC1H1 (dynein cytoplasmic 1 heavy chain 1; plus strand). Cytogenetic location: 14q32.31.
Variant type: Deletion.
Coding change: c.728del on transcript NM_001376.5 (MANE Select); coding-DNA position 728, one base deleted (A; older notation c.728delA).
Protein change: p.Asn243fs; shifts the reading frame from asparagine 243.
Molecular consequence: frameshift variant.
Genome position (GRCh38, 1-based): chr14:101,979,928, A deleted; the last of 2 consecutive A bases (chr14:101,979,927-101,979,928); deleting either gives the same sequence. VCF-style (leftmost placement, unchanged base first): chr14-101979926-TA-T. GRCh37 (hg19) VCF-style: chr14-102446263-TA-T.
Other names: short protein forms N243fs.
Identifiers: ClinVar variation 3656580 (VCV003656580.2).
Genomic context (GRCh38, chr14:101,979,926, plus strand): 5'-GCGTGGAGAAAAGCCAAAAGTTACAGACTTTGGTGATAAGGTTGAAGACCCAACATTTCT[TA>T]ATCAGTTACAATCTGGAGTTAACCGCTGGATCCGAGAAATTCAAAAAGTAAGAGCACAGG-3'

ClinVar aggregate classification (germline): Uncertain significance (1 of 4 stars; one submission).

Conditions:
Charcot-Marie-Tooth disease axonal type 2O. Also called: CHARCOT-MARIE-TOOTH NEUROPATHY, AXONAL, TYPE 2O; CHARCOT-MARIE-TOOTH DISEASE, AXONAL, AUTOSOMAL DOMINANT, TYPE 2O; Charcot-Marie-Tooth Neuropathy Type 2O; Charcot-Marie-Tooth disease, axonal, type 20. Identifiers: Orphanet 284232, MedGen C3280220, MONDO:0013644, OMIM 614228.

Submission:

Labcorp Genetics (formerly Invitae), Labcorp
Classification: Uncertain significance for Charcot-Marie-Tooth disease axonal type 2O. Last evaluated: 2024-06-13. Review status: criteria provided, single submitter. Criteria: Invitae Variant Classification Sherloc (09022015). Collection method: clinical testing. Allele origin: germline.
Comment: This sequence change creates a premature translational stop signal (p.Asn243Ilefs*17) in the DYNC1H1 gene. It is expected to result in an absent or disrupted protein product. However, the current clinical and genetic evidence is not sufficient to establish whether loss-of-function variants in DYNC1H1 cause disease. This variant is not present in population databases (gnomAD no frequency). This variant has not been reported in the literature in individuals affected with DYNC1H1-related conditions. Experimental studies and prediction algorithms are not available or were not evaluated, and the functional significance of this variant is currently unknown. In summary, the available evidence is currently insufficient to determine the role of this variant in disease. Therefore, it has been classified as a Variant of Uncertain Significance.